The following is an entry in ClinVar:

NM_014141.6(CNTNAP2):c.3577G>T (p.Ala1193Ser)

Gene: CNTNAP2 (contactin associated protein 2; plus strand). Cytogenetic location: 7q36.1.
Variant type: single nucleotide variant.
Coding change: c.3577G>T on transcript NM_014141.6 (MANE Select); coding-DNA position 3577, G replaced by T.
Protein change: p.Ala1193Ser; replaces alanine 1193 with serine.
Molecular consequence: missense variant.
Genome position (GRCh38, 1-based): chr7:148,383,750, G>T. VCF-style: chr7-148383750-G-T. GRCh37 (hg19) VCF-style: chr7-148080842-G-T.
Other names: short protein forms A1193S.
Identifiers: ClinVar variation 1037188 (VCV001037188.9), dbSNP rs751491210, ClinGen allele CA369704560.

ClinVar aggregate classification (germline): Uncertain significance (1 of 4 stars; one submission).

Conditions:
Cortical dysplasia-focal epilepsy syndrome (PTHSL1). Also called: Pitt-Hopkins-like syndrome 1. Identifiers: Orphanet 163681, Orphanet 221150, MedGen C2750246, MONDO:0012400, OMIM 610042.

gnomAD v4.1: 3 of 1,614,162 alleles (0.00019%); highest among the groups gnomAD compares: Non-Finnish European, 0.00025%; no homozygotes.

Submission:

Labcorp Genetics (formerly Invitae), Labcorp
Classification: Uncertain significance for Cortical dysplasia-focal epilepsy syndrome. Last evaluated: 2020-09-09. Review status: criteria provided, single submitter. Criteria: Invitae Variant Classification Sherloc (09022015). Collection method: clinical testing. Allele origin: germline.
Comment: This sequence change replaces alanine with serine at codon 1193 of the CNTNAP2 protein (p.Ala1193Ser). The alanine residue is highly conserved and there is a moderate physicochemical difference between alanine and serine. This variant is not present in population databases (ExAC no frequency). This variant has not been reported in the literature in individuals with CNTNAP2-related conditions. Algorithms developed to predict the effect of missense changes on protein structure and function are either unavailable or do not agree on the potential impact of this missense change (SIFT: "Deleterious"; PolyPhen-2: "Probably Damaging"; Align-GVGD: "Class C0"). In summary, the available evidence is currently insufficient to determine the role of this variant in disease. Therefore, it has been classified as a Variant of Uncertain Significance.